The following is an entry in ClinVar:

ClinVar aggregate classification (germline): Likely pathogenic. Review status: criteria provided, multiple submitters, no conflicts (2 of 4 stars). 3 submissions from 3 submitters: Likely pathogenic (3). Last evaluated 2024-05-29.

Conditions:
Fatal mitochondrial disease due to combined oxidative phosphorylation defect type 3. Also called: Combined oxidative phosphorylation deficiency 3; ENCEPHALOMYOPATHY, RESPIRATORY FAILURE, AND LACTIC ACIDOSIS. Identifiers: Orphanet 168566, MedGen C1864840, MONDO:0012512, OMIM 610505.

Submissions (3):

Natera, Inc.
Classification: Likely pathogenic for Combined oxidative phosphorylation deficiency 3. Last evaluated: 2024-05-29. Review status: criteria provided, single submitter. Criteria: Natera Variant Classification Schema (03/2026). Collection method: clinical testing. Allele origin: germline.
Comment: The c.57+1G>A variant in TSFM is a canonical splice donor site variant predicted to affect pre-mRNA splicing, which may result in an abnormal transcript and altered protein product. This variant is expected to result in nonsense mediated decay, truncation, or a dysfunctional protein product. This variant is rare in the general population with a frequency below the threshold expected for the associated phenotype(s). Given the available evidence, this variant is classified as Likely Pathogenic.

Baylor Genetics
Classification: Likely pathogenic for Fatal mitochondrial disease due to combined oxidative phosphorylation defect type 3. Last evaluated: 2023-10-09. Review status: criteria provided, single submitter. Criteria: ACMG Guidelines, 2015. Collection method: clinical testing. Allele origin: unknown.

Labcorp Genetics (formerly Invitae), Labcorp
Classification: Likely pathogenic. Last evaluated: 2023-04-07. Review status: criteria provided, single submitter. Criteria: Invitae Variant Classification Sherloc (09022015). Collection method: clinical testing. Allele origin: germline.
Comment: In summary, the currently available evidence indicates that the variant is pathogenic, but additional data are needed to prove that conclusively. Therefore, this variant has been classified as Likely Pathogenic. Algorithms developed to predict the effect of sequence changes on RNA splicing suggest that this variant may disrupt the consensus splice site. ClinVar contains an entry for this variant (Variation ID: 1507022). This variant has not been reported in the literature in individuals affected with TSFM-related conditions. This variant is not present in population databases (gnomAD no frequency). This sequence change affects a donor splice site in intron 1 of the TSFM gene. It is expected to disrupt RNA splicing. Variants that disrupt the donor or acceptor splice site typically lead to a loss of protein function (PMID: 16199547), and loss-of-function variants in TSFM are known to be pathogenic (PMID: 17033963, 20435138, 25037205, 27677415).

Literature cited by the submitters: PubMed 16199547 (cited by Labcorp Genetics (formerly Invitae), Labcorp); PubMed 17033963 (cited by Labcorp Genetics (formerly Invitae), Labcorp); PubMed 20435138 (cited by Labcorp Genetics (formerly Invitae), Labcorp); PubMed 25037205 (cited by Labcorp Genetics (formerly Invitae), Labcorp); PubMed 27677415 (cited by Labcorp Genetics (formerly Invitae), Labcorp).

NM_005726.6(TSFM):c.57+1G>A

Gene: TSFM (Ts translation elongation factor, mitochondrial; plus strand). Cytogenetic location: 12q14.1.
Variant type: single nucleotide variant.
Coding change: c.57+1G>A on transcript NM_005726.6 (MANE Select); the canonical splice donor site of the intron after coding-DNA position 57, G replaced by A.
Molecular consequence: splice donor variant.
Genome position (GRCh38, 1-based): chr12:57,782,859, G>A. VCF-style: chr12-57782859-G-A. GRCh37 (hg19) VCF-style: chr12-58176642-G-A.
Other names: c.57+1G>A (NM_001172696.1, NM_001172697.2, NM_001172696.2 and 1 more transcripts).
Identifiers: ClinVar variation 1507022 (VCV001507022.8), dbSNP rs1403882425, ClinGen allele CA385523083.